The following is an entry in ClinVar:

ClinVar aggregate classification (germline): Pathogenic. Review status: criteria provided, multiple submitters, no conflicts (2 of 4 stars). 10 submissions from 9 submitters: Pathogenic (9). 1 of the submissions does not count toward it. Last evaluated 2026-07-15.

Conditions:
Rare genetic deafness. Identifiers: Orphanet 96210, MedGen C5680250.
USH2A-related disorder. Also called: USH2A-related condition; USH2A-related disorders. Identifiers: MedGen CN239332.
Monogenic hearing loss.
Usher syndrome type 2A. Also called: USHER SYNDROME, TYPE IIA; RETINAL DISEASE IN USHER SYNDROME TYPE IIA, MODIFIER OF. Identifiers: Orphanet 231178, Orphanet 886, MedGen C1848634, MONDO:0010169, OMIM 276901.
Retinitis pigmentosa 39 (RP39). Identifiers: Orphanet 791, MedGen C3151138, MONDO:0013436, OMIM 613809.

Submissions (10):

Genetics Laboratory, Great Ormond Street Hospital NHS Foundation Trust, North Thames Genomic Laboratory Hub
Classification: Pathogenic for Monogenic hearing loss. Last evaluated: 2026-07-15. Review status: criteria provided, single submitter. Criteria: ACGS Best Practice Guidelines for Variant Classification in Rare Disease 2024 v1.2. Collection method: clinical testing. Allele origin: germline. Affected: yes.
Comment: PM2_moderate, PVS1_very-strong, PM3_supporting

Natera, Inc.
Classification: Pathogenic for Usher syndrome type 2A. Last evaluated: 2024-08-26. Review status: criteria provided, single submitter. Criteria: Natera Variant Classification Schema (03/2026). Collection method: clinical testing. Allele origin: germline.
Comment: The c.11411delC variant in USH2A is a frameshift variant predicted to shift the reading frame beginning at codon 3804 and leads to a stop codon 13 codons downstream. This variant is expected to result in nonsense mediated decay, truncation, or a dysfunctional protein product. This variant is rare in the general population with a frequency below the threshold expected for the associated phenotype(s). This variant has been observed in one or more individuals affected with the associated recessive disease, as either homozygous or compound heterozygous with a second variant (PMID: 24944099). Given the available evidence, this variant is classified as Pathogenic.

Labcorp Genetics (formerly Invitae), Labcorp
Classification: Pathogenic. Last evaluated: 2024-08-13. Review status: criteria provided, single submitter. Criteria: Invitae Variant Classification Sherloc (09022015). Collection method: clinical testing. Allele origin: germline.
Comment: This sequence change creates a premature translational stop signal (p.Pro3804Leufs*13) in the USH2A gene. It is expected to result in an absent or disrupted protein product. Loss-of-function variants in USH2A are known to be pathogenic (PMID: 10729113, 10909849, 20507924, 25649381). This variant is not present in population databases (gnomAD no frequency). This premature translational stop signal has been observed in individual(s) with USH2A-related conditions (PMID: 24944099, 28838317). ClinVar contains an entry for this variant (Variation ID: 48375). For these reasons, this variant has been classified as Pathogenic.

Blueprint Genetics
Classification: Pathogenic for USH2A-related disorders. Last evaluated: 2024-06-03. Review status: criteria provided, single submitter. Criteria: ACMG Guidelines, 2015. Collection method: clinical testing. Allele origin: germline. Affected: yes. Observed: 4 variant alleles.

Baylor Genetics
Classification: Pathogenic for Retinitis pigmentosa 39. Last evaluated: 2023-12-31. Review status: criteria provided, single submitter. Criteria: ACMG Guidelines, 2015. Collection method: clinical testing. Allele origin: unknown.

Genome-Nilou Lab
Classification: Pathogenic for Retinitis pigmentosa 39. Last evaluated: 2023-11-04. Review status: criteria provided, single submitter. Criteria: ACMG Guidelines, 2015. Collection method: clinical testing. Allele origin: germline. Affected: no.

Genome-Nilou Lab
Classification: Pathogenic for Usher syndrome type 2A. Last evaluated: 2023-11-04. Review status: criteria provided, single submitter. Criteria: ACMG Guidelines, 2015. Collection method: clinical testing. Allele origin: germline. Affected: no.

Fulgent Genetics
Classification: Pathogenic for Usher syndrome type 2A; Retinitis pigmentosa 39. Last evaluated: 2022-01-11. Review status: criteria provided, single submitter. Criteria: ACMG Guidelines, 2015. Collection method: clinical testing. Allele origin: unknown.

Laboratory for Molecular Medicine, Mass General Brigham Personalized Medicine
Classification: Pathogenic for Rare genetic deafness. Last evaluated: 2012-01-16. Review status: criteria provided, single submitter. Criteria: LMM Criteria. Collection method: clinical testing. Allele origin: germline. Inheritance: Autosomal recessive inheritance. Observed: 5 variant alleles.
Comment: This variant is predicted to cause a frameshif t, which alters the protein's amino acid sequence beginning at codon 3804 and le ads to a premature stop 13 codons downstream. This alteration is then predicted to lead to a truncated or absent protein. Loss of function of the USH2A gene is an established disease mechanism in Usher syndrome. In summary, this variant m eets our criteria to be classified as pathogenic for autosomal recessive Usher s yndrome based on the predicted impact of the variant on the protein.

Counsyl
Classification: Pathogenic for Retinitis pigmentosa 39. Last evaluated: 2017-11-19. Review status: no assertion criteria provided. Collection method: clinical testing. Allele origin: unknown. Not counted in ClinVar's aggregate classification.

Literature cited by the submitters: PubMed 24944099 (cited by 3 submitters); PubMed 10729113 (cited by Labcorp Genetics (formerly Invitae), Labcorp); PubMed 10909849 (cited by Labcorp Genetics (formerly Invitae), Labcorp); PubMed 20507924 (cited by Labcorp Genetics (formerly Invitae), Labcorp); PubMed 25649381 (cited by Labcorp Genetics (formerly Invitae), Labcorp); PubMed 28838317 (cited by Labcorp Genetics (formerly Invitae), Labcorp and Counsyl).

NM_206933.4(USH2A):c.11411del (p.Pro3804fs)

Gene: USH2A (usherin; minus strand). Cytogenetic location: 1q41.
Variant type: Deletion.
Coding change: c.11411del on transcript NM_206933.4 (MANE Select); coding-DNA position 11411, one base deleted (C; older notation c.11411delC).
Protein change: p.Pro3804fs; shifts the reading frame from proline 3804.
Molecular consequence: frameshift variant.
Genome position (GRCh38, 1-based): chr1:215,743,314, G deleted on the plus strand (C on the coding strand, the reverse complement: USH2A is on the minus strand); the first of 2 consecutive G bases (chr1:215,743,314-215,743,315); deleting either gives the same sequence. VCF-style (leftmost placement, unchanged base first): chr1-215743313-AG-A. GRCh37 (hg19) VCF-style: chr1-215916655-AG-A.
Other names: c.11411del (NM_206933.2); short protein forms P3804fs.
Identifiers: ClinVar variation 48375 (VCV000048375.24), dbSNP rs397517973, ClinGen allele CA262068.